The following is an entry in ClinVar:

ClinVar aggregate classification (germline): Uncertain significance. Review status: reviewed by expert panel (3 of 4 stars). 3 submissions from 3 submitters: Uncertain significance (1). 2 of the submissions do not count toward it. Last evaluated 2026-10-27.

Conditions:
CYP1B1-related glaucoma with or without anterior segment dysgenesis. Identifiers: MedGen CN375931, MONDO:0800472.
Anterior segment dysgenesis 6 (ASGD6). Also called: Anterior segment dysgenesis 6, multiple subtypes. Identifiers: MedGen C4310623, MONDO:0015016, OMIM 617315.
Glaucoma 3A. Also called: Glaucoma 3, primary congenital, A. Identifiers: Orphanet 98976, Orphanet 98977, MedGen C1856439, MONDO:0009277, OMIM 231300.
Primary congenital glaucoma. Also called: Primary congenital glaucoma (disease). Identifiers: MedGen C1533041, MONDO:0000365, HP:0008007.

Submissions (3):

ClinGen Glaucoma Variant Curation Expert Panel
Classification: Uncertain significance for CYP1B1-related glaucoma with or without anterior segment dysgenesis. Last evaluated: 2026-10-27. Review status: reviewed by expert panel. Criteria: ClinGen Glaucoma ACMG Specifications CYP1B1 V2.0. Collection method: curation. Allele origin: germline. Inheritance: Autosomal recessive inheritance.
Comment: The c.781T>C variant in CYP1B1 is a missense variant predicted to cause substitution of Phenylalanine by Leucine at amino acid 261 (p.Phe261Leu). This missense variant is located in the G-helix, meeting PM1_Supporting. This variant was not found in any genetic ancestry group of gnomAD (v4.1), meeting the ≤ 0.0005 threshold set for PM2_Supporting in a genetic ancestry group of at least 2,000 alleles. The REVEL score = 0.703, which was within the 0.644-0.772 range for PP3, predicting a damaging effect on CYP1B1 function. PS3_Supporting was not applied as the assays reported did not meet the OddsPath threshold (> 2.1) (PMID: 27243976) or the threshold for abnormal impact on protein function in the assays could not be determined (PMIDs: 27243976, 19234632). This variant has been identified in an individual in laboratory testing (ClinVar database), however no phenotypic or genotypic information was able to be obtained for PM3 to be assessed. In summary, this variant met the criteria to receive a score of 3 and to be classified as a variant of uncertain significance (uncertain significance classification range -1 to 5, adapted from PMID: 32720330) for CYP1B1-related glaucoma with or without anterior segment dysgenesis (ASD) based on the ACMG/AMP criteria met, as specified by the ClinGen Glaucoma VCEP (v2.0, 16.07.2026): PP3, PM1_Supporting, PM2_Supporting.

Women's Health and Genetics/Laboratory Corporation of America, LabCorp
Classification: Likely pathogenic for Primary congenital glaucoma. Last evaluated: 2024-06-25. Review status: criteria provided, single submitter. Criteria: LabCorp Variant Classification Summary - May 2015. Collection method: clinical testing. Allele origin: germline. Not counted in ClinVar's aggregate classification.
Comment: Variant summary: CYP1B1 c.781T>C (p.Phe261Leu) results in a non-conservative amino acid change in the encoded protein sequence. Three of five in-silico tools predict a damaging effect of the variant on protein function. The variant was absent in 247604 control chromosomes. p.Phe261Leu has been reported in the literature in individuals affected with Primary Congenital Glaucoma (examples: Lopez-Garrido_2013, Faiq_2013, Li_2011). Multiple studies have shown this variant affects the normal function of the protein (e.g. Banerjee_2016, Campos-Mollo_2009). No submitters have cited clinical-significance assessments for this variant to ClinVar. The following publications have been ascertained in the context of this evaluation (PMID: 27243976, 26997785, 21854771, 23218183, 19234632). Based on the evidence outlined above, the variant was classified as likely pathogenic.

Fulgent Genetics
Classification: Likely pathogenic for Glaucoma 3A; Anterior segment dysgenesis 6. Last evaluated: 2024-06-24. Review status: criteria provided, single submitter. Criteria: ACMG Guidelines, 2015. Collection method: clinical testing. Allele origin: germline. Not counted in ClinVar's aggregate classification.

Literature cited by the submitters: PubMed 27243976 (cited by Women's Health and Genetics/Laboratory Corporation of America, LabCorp); PubMed 23218183 (cited by Women's Health and Genetics/Laboratory Corporation of America, LabCorp); PubMed 26997785 (cited by Women's Health and Genetics/Laboratory Corporation of America, LabCorp); PubMed 19234632 (cited by Women's Health and Genetics/Laboratory Corporation of America, LabCorp); PubMed 21854771 (cited by Women's Health and Genetics/Laboratory Corporation of America, LabCorp).

NM_000104.4(CYP1B1):c.781T>C (p.Phe261Leu)

Gene: CYP1B1 (cytochrome P450 family 1 subfamily B member 1; minus strand). Cytogenetic location: 2p22.2.
Variant type: single nucleotide variant.
Coding change: c.781T>C on transcript NM_000104.4 (MANE Select); coding-DNA position 781, T replaced by C.
Protein change: p.Phe261Leu; replaces phenylalanine 261 with leucine.
Molecular consequence: missense variant.
Genome position (GRCh38, 1-based): chr2:38,074,608, A>G on the plus strand (T>C on the coding strand, the complement: CYP1B1 is on the minus strand). VCF-style: chr2-38074608-A-G. GRCh37 (hg19) VCF-style: chr2-38301751-A-G.
Other names: NM_000104.4(CYP1B1):c.781T>C; p.Phe261Leu; short protein forms F261L.
Identifiers: ClinVar variation 3339803 (VCV003339803.3).